The following is an entry in ClinVar:

ClinVar aggregate classification (germline): Pathogenic/Likely pathogenic. Review status: criteria provided, multiple submitters, no conflicts (2 of 4 stars). 2 submissions from 2 submitters: Pathogenic (1); Likely pathogenic (1). Last evaluated 2024-02-26.

Conditions:
Ataxia-telangiectasia syndrome (AT). Also called: Cerebello-oculocutaneous telangiectasia; Immunodeficiency with ataxia telangiectasia; Ataxia-telangiectasia; Ataxia telangiectasia (A-T); LOUIS-BAR SYNDROME; Ataxia-telangiectasia, complementation group D. Identifiers: Orphanet 100, MedGen C0004135, MONDO:0008840, OMIM 208900.

Submissions (2):

Labcorp Genetics (formerly Invitae), Labcorp
Classification: Pathogenic for Ataxia-telangiectasia syndrome. Last evaluated: 2024-02-26. Review status: criteria provided, single submitter. Criteria: Invitae Variant Classification Sherloc (09022015). Collection method: clinical testing. Allele origin: germline.
Comment: This sequence change creates a premature translational stop signal (p.Ser227*) in the ATM gene. It is expected to result in an absent or disrupted protein product. Loss-of-function variants in ATM are known to be pathogenic (PMID: 23807571, 25614872). This variant is not present in population databases (gnomAD no frequency). This variant has not been reported in the literature in individuals affected with ATM-related conditions. ClinVar contains an entry for this variant (Variation ID: 246054). For these reasons, this variant has been classified as Pathogenic.

GeneDx
Classification: Likely pathogenic. Last evaluated: 2015-11-11. Review status: criteria provided, single submitter. Criteria: GeneDx Variant Classification (06012015). Collection method: clinical testing. Allele origin: germline. Affected: yes.
Comment: This pathogenic variant is denoted ATM c.680delC at the cDNA level and p.Ser227Ter (S227X) at the protein level. The substitution creates a nonsense variant, which changes a Serine to a premature stop codon (TCA>TAG), and is predicted to cause loss of normal protein function through either protein truncation or nonsense-mediated mRNA decay. Although this variant has not, to our knowledge, been reported in the literature, it is considered likely pathogenic.

Literature cited by the submitters: PubMed 23807571 (cited by Labcorp Genetics (formerly Invitae), Labcorp); PubMed 25614872 (cited by Labcorp Genetics (formerly Invitae), Labcorp).

NM_000051.4(ATM):c.680del (p.Ser226_Ser227insTer)

Gene: ATM (ATM serine/threonine kinase; plus strand). Cytogenetic location: 11q22.3.
Variant type: Deletion.
Coding change: c.680del on transcript NM_000051.4 (MANE Select); coding-DNA position 680, one base deleted (C; older notation c.680delC).
Protein change: p.Ser226_Ser227insTer.
Molecular consequence: nonsense.
Genome position (GRCh38, 1-based): chr11:108,244,805, C deleted. VCF-style (leftmost placement, unchanged base first): chr11-108244804-TC-T. GRCh37 (hg19) VCF-style: chr11-108115531-TC-T.
Other names: c.680delC (NM_000051.3); c.680del, p.Ser226_Ser227insTer (NM_001351834.2).
Identifiers: ClinVar variation 246054 (VCV000246054.6), dbSNP rs879254070, ClinGen allele CA10584316.